The following is an entry in ClinVar:

ClinVar aggregate classification (germline): Uncertain significance. Review status: criteria provided, multiple submitters, no conflicts (2 of 4 stars). 2 submissions from 2 submitters: Uncertain significance (2). Last evaluated 2025-02-15.

Conditions:
Cardiovascular phenotype. Identifiers: MedGen CN230736.

Submissions (2):

Labcorp Genetics (formerly Invitae), Labcorp
Classification: Uncertain significance. Last evaluated: 2025-02-15. Review status: criteria provided, single submitter. Criteria: Invitae Variant Classification Sherloc (09022015). Collection method: clinical testing. Allele origin: germline.
Comment: This sequence change replaces valine, which is neutral and non-polar, with isoleucine, which is neutral and non-polar, at codon 305 of the BGN protein (p.Val305Ile). This variant is not present in population databases (gnomAD no frequency). This variant has not been reported in the literature in individuals affected with BGN-related conditions. ClinVar contains an entry for this variant (Variation ID: 1765939). Invitae Evidence Modeling of protein sequence and biophysical properties (such as structural, functional, and spatial information, amino acid conservation, physicochemical variation, residue mobility, and thermodynamic stability) indicates that this missense variant is not expected to disrupt BGN protein function with a negative predictive value of 80%. In summary, the available evidence is currently insufficient to determine the role of this variant in disease. Therefore, it has been classified as a Variant of Uncertain Significance.

Ambry Genetics
Classification: Uncertain significance for Cardiovascular phenotype. Last evaluated: 2021-02-17. Review status: criteria provided, single submitter. Criteria: Ambry Variant Classification Scheme 2023. Collection method: clinical testing. Allele origin: germline.
Comment: The p.V305I variant (also known as c.913G>A), located in coding exon 7 of the BGN gene, results from a G to A substitution at nucleotide position 913. The valine at codon 305 is replaced by isoleucine, an amino acid with highly similar properties. This amino acid position is well conserved in available vertebrate species; however, isoleucine is the reference amino acid in other vertebrate species. In addition, this alteration is predicted to be tolerated by in silico analysis. Since supporting evidence is limited at this time, the clinical significance of this alteration remains unclear.

NM_001711.6(BGN):c.913G>A (p.Val305Ile)

Gene: BGN (biglycan; plus strand). Cytogenetic location: Xq28.
Variant type: single nucleotide variant.
Coding change: c.913G>A on transcript NM_001711.6 (MANE Select); coding-DNA position 913, G replaced by A.
Protein change: p.Val305Ile; replaces valine 305 with isoleucine.
Molecular consequence: missense variant.
Genome position (GRCh38, 1-based): chrX:153,508,251, G>A. VCF-style: chrX-153508251-G-A. GRCh37 (hg19) VCF-style: chrX-152773709-G-A.
Other names: short protein forms V305I.
Identifiers: ClinVar variation 1765939 (VCV001765939.3), dbSNP rs2521227960, ClinGen allele CA415071625.
Genomic context (GRCh38, chrX:153,508,251, plus strand): 5'-AGCGGGCTTGGCGTGGAGGGAGGGAGGCCTGCCGTGACCCGGCCTCTCTGCCTTCAGGTG[G>A]TCTATCTGCACTCCAACAACATCACCAAAGTGGGTGTCAACGACTTCTGTCCCATGGGCT-3'
Protein context (NP_001702.1, residues 295-315): GLPDLKLLQV[Val305Ile]YLHSNNITKV